The following is an entry in ClinVar:

NM_004818.3(DDX23):c.268C>T (p.Arg90Ter)

Gene: DDX23 (DEAD-box helicase 23; minus strand). Cytogenetic location: 12q13.12.
Variant type: single nucleotide variant.
Coding change: c.268C>T on transcript NM_004818.3 (MANE Select); coding-DNA position 268, C replaced by T.
Protein change: p.Arg90Ter; replaces arginine 90 with a stop codon.
Molecular consequence: nonsense.
Genome position (GRCh38, 1-based): chr12:48,843,992, G>A on the plus strand (C>T on the coding strand, the complement: DDX23 is on the minus strand). VCF-style: chr12-48843992-G-A. GRCh37 (hg19) VCF-style: chr12-49237775-G-A.
Other names: short protein forms R90*.
Identifiers: ClinVar variation 3252258 (VCV003252258.1), dbSNP rs763080545.

ClinVar aggregate classification (germline): Uncertain significance (1 of 4 stars; one submission).

gnomAD v4.1: 3 of 1,613,980 alleles (0.00019%); highest among the groups gnomAD compares: Non-Finnish European, 0.00017%; no homozygotes.

Submission:

GeneDx
Classification: Uncertain significance. Last evaluated: 2023-12-06. Review status: criteria provided, single submitter. Criteria: GeneDx Variant Classification Process June 2021. Collection method: clinical testing. Allele origin: germline. Affected: yes.
Comment: Nonsense variant predicted to result in protein truncation or nonsense mediated decay in a gene or region of a gene for which loss of function is not a well-established mechanism of disease; Has not been previously published as pathogenic or benign to our knowledge